The following is an entry in ClinVar:

ClinVar aggregate classification (germline): Uncertain significance (1 of 4 stars; one submission).

Submission:

GeneDx
Classification: Uncertain significance. Last evaluated: 2024-11-19. Review status: criteria provided, single submitter. Criteria: GeneDx Variant Classification Process June 2021. Collection method: clinical testing. Allele origin: germline.
Comment: Not observed at significant frequency in large population cohorts (gnomAD); In silico analysis supports that this missense variant has a deleterious effect on protein structure/function; Has not been previously published as pathogenic or benign to our knowledge

NM_181303.2(NLGN3):c.785T>C (p.Ile262Thr)

Gene: NLGN3 (neuroligin 3; plus strand). Cytogenetic location: Xq13.1.
Variant type: single nucleotide variant.
Coding change: c.785T>C on transcript NM_181303.2 (MANE Select); coding-DNA position 785, T replaced by C.
Protein change: p.Ile262Thr; replaces isoleucine 262 with threonine.
Molecular consequence: missense variant.
Genome position (GRCh38, 1-based): chrX:71,164,200, T>C. VCF-style: chrX-71164200-T-C. GRCh37 (hg19) VCF-style: chrX-70384050-T-C.
Other names: c.665T>C, p.Ile222Thr (NM_001166660.2); c.374T>C, p.Ile125Thr (NM_001321276.2); c.725T>C, p.Ile242Thr (NM_018977.4); short protein forms I125T, I222T, I242T, I262T.
Identifiers: ClinVar variation 3366066 (VCV003366066.2).